The following is an entry in ClinVar:

NM_000492.4(CFTR):c.3367+246C>T

Genes: CFTR (CF transmembrane conductance regulator; plus strand), CFTR-AS2 (CFTR antisense RNA 2; minus strand), LOC111674472 (DNase I hypersensitive sites in introns 16 and 17a of CFTR; plus strand). Cytogenetic location: 7q31.2.
Variant type: single nucleotide variant.
Coding change: c.3367+246C>T on transcript NM_000492.4 (MANE Select); 246 bases into the intron after coding-DNA position 3367, C replaced by T.
Molecular consequence: intron variant.
Genome position (GRCh38, 1-based): chr7:117,612,054, C>T. VCF-style: chr7-117612054-C-T. GRCh37 (hg19) VCF-style: chr7-117252108-C-T.
Identifiers: ClinVar variation 633157 (VCV000633157.2), dbSNP rs2188149, ClinGen allele CA164967265.

ClinVar aggregate classification (germline): Likely benign. Review status: criteria provided, multiple submitters, no conflicts (2 of 4 stars). 2 submissions from 2 submitters: Likely benign (2). Last evaluated 2018-08-15.

Allele frequency attached by ClinVar (database versions not stated): gnomAD 0.26366.

Submissions (2):

Women's Health and Genetics/Laboratory Corporation of America, LabCorp
Classification: Likely benign. Last evaluated: 2018-08-15. Review status: criteria provided, single submitter. Criteria: LabCorp Variant Classification Summary - May 2015. Collection method: clinical testing. Allele origin: germline.
Comment: Variant summary: CFTR c.3367+246C>T is located at deep intronic position not widely known to affect splicing. Five of five computational tools predict no significant impact on normal splicing. However, these predictions have yet to be confirmed by functional studies. The variant allele was found at a frequency of 0.13 in 11998 control chromosomes in the gnomAD database, including 184 homozygotes. The observed variant frequency is approximately 10-fold above the estimated maximal expected allele frequency for a pathogenic variant in CFTR causing Cystic Fibrosis phenotype (0.013), strongly suggesting that the variant is benign. However, this variant is found in a highly repetitive region. To our knowledge, no occurrence of c.3367+246C>T in individuals affected with Cystic Fibrosis and no experimental evidence demonstrating its impact on protein function have been reported. No clinical diagnostic laboratories have submitted clinical-significance assessments for this variant to ClinVar after 2014. Based on the evidence outlined above, the variant was classified as likely benign.

Breakthrough Genomics
Classification: Likely benign. Review status: criteria provided, single submitter. Criteria: ACMG Guidelines, 2015. Collection method: not provided. Allele origin: germline. Inheritance: Autosomal recessive inheritance. Affected: yes.